The following is an entry in ClinVar:

ClinVar aggregate classification (germline): Pathogenic (1 of 4 stars; one submission).

Conditions:
Hereditary spastic paraplegia 4. Also called: Spastic paraplegia 4, autosomal dominant; Spastic Paraplegia 4; Familial spastic paraplegia autosomal dominant 2. Identifiers: Orphanet 100985, MedGen C1866855, MONDO:0008438, OMIM 182601.

Submission:

Labcorp Genetics (formerly Invitae), Labcorp
Classification: Pathogenic for Hereditary spastic paraplegia 4. Last evaluated: 2023-03-20. Review status: criteria provided, single submitter. Criteria: Invitae Variant Classification Sherloc (09022015). Collection method: clinical testing. Allele origin: germline.
Comment: This variant is not present in population databases (gnomAD no frequency). This sequence change disrupts the translational stop signal of the SPAST mRNA. It is expected to extend the length of the SPAST protein by 46 additional amino acid residues. This protein extension has been observed in individuals with hereditary spastic paraplegia (Invitae). ClinVar contains an entry for this variant (Variation ID: 2044013). This variant results in an extension of the SPAST protein. Other variant(s) that result in a similarly extended protein product (p.*617Gluext*46) have been determined to be pathogenic (PMID: 20932283; Invitae). This suggests that these extensions are likely to be disease-causing. For these reasons, this variant has been classified as Pathogenic.

Literature cited by the submitters: PubMed 20932283.

NM_014946.4(SPAST):c.1849T>C (p.Ter617Gln)

Gene: SPAST (spastin; plus strand). Cytogenetic location: 2p22.3.
Variant type: single nucleotide variant.
Coding change: c.1849T>C on transcript NM_014946.4 (MANE Select); coding-DNA position 1849, T replaced by C.
Protein change: p.Ter617Gln.
Molecular consequence: stop lost. On other transcripts: 3 prime UTR variant (1).
Genome position (GRCh38, 1-based): chr2:32,154,494, T>C. VCF-style: chr2-32154494-T-C. GRCh37 (hg19) VCF-style: chr2-32379563-T-C.
Other names: c.1846T>C, p.Ter616Gln (NM_001363823.2); c.1750T>C, p.Ter584Gln (NM_001363875.2); c.*122T>C (NM_001377959.1); c.1753T>C, p.Ter585Gln (NM_199436.2).
Identifiers: ClinVar variation 2044013 (VCV002044013.4), dbSNP rs1553321270, ClinGen allele CA346505783.
Genomic context (GRCh38, chr2:32,154,494, plus strand): 5'-AGCCCTCAAACTTTAGAAGCGTACATACGTTGGAACAAGGACTTTGGAGATACCACTGTT[T>C]AAGGAAATACCTTTGTAAACCTGCAGAACATTTTACTTAAAAGAGGAAACACAAGATCTT-3'